The following is an entry in ClinVar:

ClinVar aggregate classification (germline): Uncertain significance. Review status: criteria provided, multiple submitters, no conflicts (2 of 4 stars). 4 submissions from 4 submitters: Uncertain significance (4). Last evaluated 2025-02-05.

Conditions:
Primary dilated cardiomyopathy (DCM). Also called: Dilated Cardiomyopathy. Identifiers: Orphanet 217604, MedGen C0007193, MeSH D002311, MONDO:0005021, HP:0001644. Inheritance: Various modes of inheritance.
Hypertrophic cardiomyopathy. Also called: HYPERTROPHIC MYOCARDIOPATHY. Identifiers: Orphanet 217569, MedGen C0007194, MeSH D002312, MONDO:0005045, HP:0001639.

Allele frequency attached by ClinVar (database versions not stated): gnomAD exomes 0.00002 and below 0.00001; gnomAD 0.00001; TOPMed 0.00001; ExAC 0.00002.
gnomAD v4.1: 6 of 1,614,118 alleles (0.00037%); highest among the groups gnomAD compares: East Asian, 0.0089%; no homozygotes.

Submissions (4):

Ambry Genetics
Classification: Uncertain significance. Last evaluated: 2025-02-05. Review status: criteria provided, single submitter. Criteria: Ambry Variant Classification Scheme 2023. Collection method: clinical testing. Allele origin: germline.

Labcorp Genetics (formerly Invitae), Labcorp
Classification: Uncertain significance for Hypertrophic cardiomyopathy; Primary dilated cardiomyopathy. Last evaluated: 2024-03-06. Review status: criteria provided, single submitter. Criteria: Invitae Variant Classification Sherloc (09022015). Collection method: clinical testing. Allele origin: germline.
Comment: This sequence change replaces tyrosine, which is neutral and polar, with cysteine, which is neutral and slightly polar, at codon 361 of the PDLIM3 protein (p.Tyr361Cys). This variant is present in population databases (rs779267023, gnomAD 0.02%). This variant has not been reported in the literature in individuals affected with PDLIM3-related conditions. ClinVar contains an entry for this variant (Variation ID: 201955). An algorithm developed to predict the effect of missense changes on protein structure and function (PolyPhen-2) suggests that this variant is likely to be disruptive. In summary, the available evidence is currently insufficient to determine the role of this variant in disease. Therefore, it has been classified as a Variant of Uncertain Significance.

Laboratory for Molecular Medicine, Mass General Brigham Personalized Medicine
Classification: Uncertain significance. Last evaluated: 2021-07-28. Review status: criteria provided, single submitter. Criteria: ACMG Guidelines, 2015. Collection method: clinical testing. Allele origin: germline.
Comment: The p.Tyr361Cys variant in PDLIM3 has not been previously reported in the literature in individuals with cardiomyopathy but has been reported by other clinical laboratories in ClinVar (Variation ID: 201955). It has also been identified in 0.02% (4/18394) of East Asian chromosomes by gnomAD. Computational prediction tools and conservation analyses do not provide strong support for or against an impact to the protein. In summary, the clinical significance of this variant is uncertain. ACMG/AMP Criteria applied: none.

GeneDx
Classification: Uncertain significance. Last evaluated: 2014-07-11. Review status: criteria provided, single submitter. Criteria: GeneDx Variant Classification (06012015). Collection method: clinical testing. Allele origin: germline. Affected: yes.
Comment: p.Tyr361Cys (TAT>TGT): c.1082 A>G in exon 8 of the PDLIM3 gene (NM_014476.5). A variant of unknown significance has been identified in the PDLIM3 gene. The Y361C variant has not been published as a mutation, nor has it been reported as a benign polymorphism to our knowledge. The Y361C variant was not observed in approximately 6500 individuals of European and African American ancestry in the NHLBI Exome Sequencing Project, indicating it is not a common benign variant in these populations. The Y361C variant is a non-conservative amino acid substitution, which is likely to impact secondary protein structure as these residues differ in polarity, charge, size and/or other properties. This substitution occurs at a position that is conserved across mammals. In silico analysis predicts this variant is probably damaging to the protein structure/function. Although a missense mutation in a nearby residue (E106A) has been reported in association with HCM (Bagnall RD et al., 2010), there was poor segregation data for this variant which is also predicted to be benign by in silico algorithms. Therefore, based on the currently available information, it is unclear whether this variant is a pathogenic mutation or a rare benign variant. The variant is found in CARDIOMYOPATHY panel(s).

NM_014476.6(PDLIM3):c.1082A>G (p.Tyr361Cys)

Gene: PDLIM3 (PDZ and LIM domain 3; minus strand). Cytogenetic location: 4q35.1.
Variant type: single nucleotide variant.
Coding change: c.1082A>G on transcript NM_014476.6 (MANE Select); coding-DNA position 1082, A replaced by G.
Protein change: p.Tyr361Cys; replaces tyrosine 361 with cysteine.
Molecular consequence: missense variant. On other transcripts: non-coding transcript variant (1).
Genome position (GRCh38, 1-based): chr4:185,502,307, T>C on the plus strand (A>G on the coding strand, the complement: PDLIM3 is on the minus strand). VCF-style: chr4-185502307-T-C. GRCh37 (hg19) VCF-style: chr4-186423461-T-C.
Other names: p.Y361C:TAT>TGT; c.1082A>G (NM_014476.4); c.938A>G, p.Tyr313Cys (NM_001114107.5); c.818A>G, p.Tyr273Cys (NM_001257962.2); c.581A>G, p.Tyr194Cys (NM_001257963.2); short protein forms Y361C, Y194C, Y273C, Y313C.
Identifiers: ClinVar variation 201955 (VCV000201955.14), dbSNP rs779267023, ClinGen allele CA335489.